The following is an entry in ClinVar:

NM_013339.4(ALG6):c.964T>G (p.Ser322Ala)

Gene: ALG6 (ALG6 alpha-1,3-glucosyltransferase; plus strand). Cytogenetic location: 1p31.3.
Variant type: single nucleotide variant.
Coding change: c.964T>G on transcript NM_013339.4 (MANE Select); coding-DNA position 964, T replaced by G.
Protein change: p.Ser322Ala; replaces serine 322 with alanine.
Molecular consequence: missense variant.
Genome position (GRCh38, 1-based): chr1:63,415,934, T>G. VCF-style: chr1-63415934-T-G. GRCh37 (hg19) VCF-style: chr1-63881605-T-G.
Other names: short protein forms S322A.
Identifiers: ClinVar variation 2843918 (VCV002843918.3), dbSNP rs2523760804, ClinGen allele CA340637650.
Genomic context (GRCh38, chr1:63,415,934, plus strand): 5'-TTTTGTTCTACGTTTTTGAGCCTGCTTCCTGCATGCATAAAATTAATACTTCAGCCCTCT[T>G]CCAAAGGATTCAAATTTACACTGGTAAGTTTTTCATTACTTTAGATACTTAATTCTTGCC-3'
Protein context (NP_037471.2, residues 312-332): ACIKLILQPS[Ser322Ala]KGFKFTLVSC

ClinVar aggregate classification (germline): Uncertain significance (1 of 4 stars; one submission).

Conditions:
ALG6-congenital disorder of glycosylation 1C (CDG1C). Also called: Congenital disorder of glycosylation type 1C; Congenital disorder of glycosylation, type Ic; CDG Ic; CARBOHYDRATE-DEFICIENT GLYCOPROTEIN SYNDROME, TYPE I, WITH DEFICIENT GLYCOSYLATION OF DOLICHOL-LINKED OLIGOSACCHARIDE; CARBOHYDRATE-DEFICIENT GLYCOPROTEIN SYNDROME, TYPE V. Identifiers: Orphanet 79320, MedGen C2930997, MONDO:0011291, OMIM 603147.

Submission:

Labcorp Genetics (formerly Invitae), Labcorp
Classification: Uncertain significance for ALG6-congenital disorder of glycosylation 1C. Last evaluated: 2023-03-08. Review status: criteria provided, single submitter. Criteria: Invitae Variant Classification Sherloc (09022015). Collection method: clinical testing. Allele origin: germline.
Comment: This sequence change replaces serine, which is neutral and polar, with alanine, which is neutral and non-polar, at codon 322 of the ALG6 protein (p.Ser322Ala). This variant is not present in population databases (gnomAD no frequency). This variant has not been reported in the literature in individuals affected with ALG6-related conditions. Advanced modeling of protein sequence and biophysical properties (such as structural, functional, and spatial information, amino acid conservation, physicochemical variation, residue mobility, and thermodynamic stability) performed at Invitae indicates that this missense variant is not expected to disrupt ALG6 protein function. In summary, the available evidence is currently insufficient to determine the role of this variant in disease. Therefore, it has been classified as a Variant of Uncertain Significance.